The following is an entry in ClinVar:

ClinVar aggregate classification (germline): Likely pathogenic. Review status: criteria provided, multiple submitters, no conflicts (2 of 4 stars). 3 submissions from 3 submitters: Likely pathogenic (2). 1 of the submissions does not count toward it. Last evaluated 2025-09-25.

Conditions:
Infantile GM1 gangliosidosis. Also called: GM1-gangliosidosis, type I; Gangliosidosis, generalized GM1, infantile form; GLB1 deficiency; GM1 gangliosidosis type 1; Gangliosidosis, Generalized GM1, Type 1. Identifiers: Orphanet 354, Orphanet 79255, MedGen C0268271, MONDO:0009260, OMIM 230500.
GM1 gangliosidosis type 2. Also called: Gangliosidosis, Generalized GM1, Type 2; GM1-GANGLIOSIDOSIS, TYPE II; GANGLIOSIDOSIS, GENERALIZED GM1, JUVENILE TYPE; GANGLIOSIDOSIS, GENERALIZED GM1, TYPE II; Juvenile GM>1< gangliosidosis. Identifiers: Orphanet 354, Orphanet 79256, MedGen C0268272, MONDO:0009261, OMIM 230600.
Mucopolysaccharidosis, MPS-IV-B (MPS4B). Also called: Mucopolysaccharidosis type 4B; Mucopolysaccharidosis type IVB (Morquio); MPS IVB; Mucopolysaccharidosis type IV B; Mucopolysaccharidosis Type IVB (Morquio B Disease); MORQUIO SYNDROME B. Identifiers: Orphanet 309310, Orphanet 582, MedGen C0086652, MONDO:0009660, OMIM 253010.
GM1 gangliosidosis type 3. Also called: Gangliosidosis, Generalized GM1, Type 3; GM1-GANGLIOSIDOSIS, TYPE III; GANGLIOSIDOSIS, GENERALIZED GM1, ADULT TYPE; GANGLIOSIDOSIS, GENERALIZED GM1, CHRONIC TYPE; GANGLIOSIDOSIS, GENERALIZED GM1, TYPE III; Beta-galactosidase deficiency. Identifiers: Orphanet 79257, MedGen C0268273, MONDO:0009262, OMIM 230650.
GM1 gangliosidosis. Identifiers: Orphanet 354, MedGen C0085131, MONDO:0018149.
GLB1-related disorder. Also called: GLB1-related disorders. Identifiers: MedGen CN377807.

Submissions (3):

Myriad Genetics, Inc.
Classification: Likely pathogenic for GLB1-related disorder. Last evaluated: 2025-09-25. Review status: criteria provided, single submitter. Criteria: Myriad Autosomal Dominant, Autosomal Recessive and X-Linked Classification Criteria (2023). Collection method: clinical testing. Allele origin: unknown.
Comment: NM_000404.2(GLB1):c.1768C>A(R590S) is a missense variant classified as likely pathogenic in the context of GLB1-related disorders. R590S has been observed in a case with relevant disease (PMID: 23046582). Relevant functional assessments of this variant are not available in the literature. Internal structural analysis of the variant is supportive of pathogenicity. R590S has not been observed in referenced population frequency databases. In summary, NM_000404.2(GLB1):c.1768C>A(R590S) is a missense variant that has internal structural support for pathogenicity and has been observed more frequently in cases with the relevant disease than in healthy populations. Please note: this variant was assessed in the context of healthy population screening.

Labcorp Genetics (formerly Invitae), Labcorp
Classification: Likely pathogenic for Mucopolysaccharidosis, MPS-IV-B; GM1 gangliosidosis. Last evaluated: 2022-06-10. Review status: criteria provided, single submitter. Criteria: Invitae Variant Classification Sherloc (09022015). Collection method: clinical testing. Allele origin: germline.
Comment: This variant disrupts the p.Arg590 amino acid residue in GLB1. Other variant(s) that disrupt this residue have been determined to be pathogenic (PMID: 8213816, 16941474, 17309651, 23430803, 26646981; Invitae). This suggests that this residue is clinically significant, and that variants that disrupt this residue are likely to be disease-causing. In summary, the currently available evidence indicates that the variant is pathogenic, but additional data are needed to prove that conclusively. Therefore, this variant has been classified as Likely Pathogenic. Advanced modeling of protein sequence and biophysical properties (such as structural, functional, and spatial information, amino acid conservation, physicochemical variation, residue mobility, and thermodynamic stability) performed at Invitae indicates that this missense variant is expected to disrupt GLB1 protein function. ClinVar contains an entry for this variant (Variation ID: 551476). This missense change has been observed in individual(s) with GM1 gangliosidosis (PMID: 23046582). This variant is not present in population databases (gnomAD no frequency). This sequence change replaces arginine, which is basic and polar, with serine, which is neutral and polar, at codon 590 of the GLB1 protein (p.Arg590Ser).

Counsyl
Classification: Uncertain significance for Infantile GM1 gangliosidosis; GM1 gangliosidosis type 2; GM1 gangliosidosis type 3; Mucopolysaccharidosis, MPS-IV-B. Last evaluated: 2017-04-12. Review status: no assertion criteria provided. Collection method: clinical testing. Allele origin: unknown. Not counted in ClinVar's aggregate classification.

Literature cited by the submitters: PubMed 23046582 (cited by 3 submitters); PubMed 8213816 (cited by Labcorp Genetics (formerly Invitae), Labcorp); PubMed 16941474 (cited by Labcorp Genetics (formerly Invitae), Labcorp); PubMed 17309651 (cited by Labcorp Genetics (formerly Invitae), Labcorp); PubMed 23430803 (cited by Labcorp Genetics (formerly Invitae), Labcorp); PubMed 26646981 (cited by Labcorp Genetics (formerly Invitae), Labcorp).

NM_000404.4(GLB1):c.1768C>A (p.Arg590Ser)

Gene: GLB1 (galactosidase beta 1; minus strand). Cytogenetic location: 3p22.3.
Variant type: single nucleotide variant.
Coding change: c.1768C>A on transcript NM_000404.4 (MANE Select); coding-DNA position 1768, C replaced by A.
Protein change: p.Arg590Ser; replaces arginine 590 with serine.
Molecular consequence: missense variant. On other transcripts: intron variant (1).
Genome position (GRCh38, 1-based): chr3:32,997,311, G>T on the plus strand (C>A on the coding strand, the complement: GLB1 is on the minus strand). VCF-style: chr3-32997311-G-T. GRCh37 (hg19) VCF-style: chr3-33038803-G-T.
Other names: c.1678C>A, p.Arg560Ser (NM_001079811.3); c.1375C>A, p.Arg459Ser (NM_001135602.3); c.1912C>A, p.Arg638Ser (NM_001317040.2); c.1734+16745C>A (NM_001393580.1); short protein forms R590S, R459S, R560S, R638S.
Identifiers: ClinVar variation 551476 (VCV000551476.8), dbSNP rs794727165, ClinGen allele CA352000786.